The following is an entry in ClinVar:

NM_000722.4(CACNA2D1):c.397-6A>G

Gene: CACNA2D1 (calcium voltage-gated channel auxiliary subunit alpha2delta 1; minus strand). Cytogenetic location: 7q21.11.
Variant type: single nucleotide variant.
Coding change: c.397-6A>G on transcript NM_000722.4 (MANE Select); 6 bases into the intron before coding-DNA position 397, A replaced by G.
Molecular consequence: intron variant.
Genome position (GRCh38, 1-based): chr7:82,117,179, T>C on the plus strand (A>G on the coding strand, the complement: CACNA2D1 is on the minus strand). VCF-style: chr7-82117179-T-C. GRCh37 (hg19) VCF-style: chr7-81746495-T-C.
Other names: c.397-6A>G (NM_001366867.1, NM_001302890.2).
Identifiers: ClinVar variation 463225 (VCV000463225.21), dbSNP rs200817801, ClinGen allele CA4318363.

ClinVar aggregate classification (germline): Likely benign. Review status: criteria provided, multiple submitters, no conflicts (2 of 4 stars). 6 submissions from 6 submitters: Likely benign (4). 2 of the submissions do not count toward it. Last evaluated 2026-04-03.

Conditions:
CACNA2D1-related disorder. Also called: CACNA2D1-related condition.
Brugada syndrome. Also called: Sudden unexpected nocturnal death syndrome; Sudden unexplained nocturnal death syndrome; Sudden Unexplained Death Syndrome; Sudden Unexplained Nocturnal Death Syndrome (SUNDS). Identifiers: Orphanet 130, MedGen C1142166, MONDO:0015263.

Allele frequency attached by ClinVar (database versions not stated): TOPMed 0.00020; gnomAD 0.00023 and 0.00027; ExAC 0.00041; 1000 Genomes Project 0.00060; 1000 Genomes Project 30x 0.00078.
gnomAD v4.1: 470 of 1,613,158 alleles (0.029%); highest among the groups gnomAD compares: South Asian, 0.15%; no homozygotes.

Submissions (6):

PreventionGenetics, part of Exact Sciences
Classification: Likely benign for CACNA2D1-related condition. Last evaluated: 2026-04-03. Review status: criteria provided, single submitter. Criteria: ACMG Guidelines, 2015. Collection method: clinical testing. Allele origin: germline.
Comment: This variant is classified as likely benign based on ACMG/AMP sequence variant interpretation guidelines (Richards et al. 2015 PMID: 25741868, with internal and published modifications).

Labcorp Genetics (formerly Invitae), Labcorp
Classification: Likely benign for Brugada syndrome. Last evaluated: 2026-01-23. Review status: criteria provided, single submitter. Criteria: Invitae Variant Classification Sherloc (09022015). Collection method: clinical testing. Allele origin: germline.

CeGaT Center for Human Genetics Tuebingen
Classification: Likely benign. Last evaluated: 2025-11-01. Review status: criteria provided, single submitter. Criteria: CeGaT Center For Human Genetics Tuebingen Variant Classification Criteria Version 2. Collection method: clinical testing. Allele origin: germline. Affected: yes. Observed: 1 variant allele.
Comment: CACNA2D1: BP4

GeneDx
Classification: Likely benign. Last evaluated: 2020-02-26. Review status: criteria provided, single submitter. Criteria: GeneDx Variant Classification Process June 2021. Collection method: clinical testing. Allele origin: germline. Affected: yes.

Clinical Genetics, Academic Medical Center
Classification: Benign. Review status: no assertion criteria provided. Collection method: clinical testing. Allele origin: germline. Affected: yes. Study: VKGL Data-share Consensus. Not counted in ClinVar's aggregate classification.

Joint Genome Diagnostic Labs from Nijmegen and Maastricht, Radboudumc and MUMC+
Classification: Likely benign. Review status: no assertion criteria provided. Collection method: clinical testing. Allele origin: germline. Affected: yes. Study: VKGL Data-share Consensus. Not counted in ClinVar's aggregate classification.